The following is an entry in ClinVar:

ClinVar aggregate classification (germline): Uncertain significance (1 of 4 stars; one submission).

Submission:

CeGaT Center for Human Genetics Tuebingen
Classification: Uncertain significance. Last evaluated: 2023-05-01. Review status: criteria provided, single submitter. Criteria: CeGaT Center For Human Genetics Tuebingen Variant Classification Criteria Version 2. Collection method: clinical testing. Allele origin: germline. Affected: yes. Observed: 1 variant allele.
Comment: POLRMT: PM2

NM_005035.4(POLRMT):c.2767G>C (p.Gly923Arg)

Gene: POLRMT (RNA polymerase mitochondrial; minus strand). Cytogenetic location: 19p13.3.
Variant type: single nucleotide variant.
Coding change: c.2767G>C on transcript NM_005035.4 (MANE Select); coding-DNA position 2767, G replaced by C.
Protein change: p.Gly923Arg; replaces glycine 923 with arginine.
Molecular consequence: missense variant. On other transcripts: non-coding transcript variant (1).
Genome position (GRCh38, 1-based): chr19:620,077, C>G on the plus strand (G>C on the coding strand, the complement: POLRMT is on the minus strand). VCF-style: chr19-620077-C-G. GRCh37 (hg19) VCF-style: chr19-620077-C-G.
Other names: c.2767G>C, p.Gly923Arg (NM_001407805.1, NM_001407808.1, NM_001407812.1 and 3 more transcripts); c.2758G>C, p.Gly920Arg (NM_001407806.1, NM_001407809.1); c.2755G>C, p.Gly919Arg (NM_001407807.1, NM_001407810.1); c.2725G>C, p.Gly909Arg (NM_001407811.1, NM_001407813.1); c.2644G>C, p.Gly882Arg (NM_001407829.1); c.2542G>C, p.Gly848Arg (NM_001407830.1, NM_001407832.1); c.2443G>C, p.Gly815Arg (NM_001407831.1, NM_001407833.1, NM_001407835.1 and 1 more transcripts); c.2434G>C, p.Gly812Arg (NM_001407834.1); short protein forms G812R, G815R, G848R, G882R, G909R, G919R, G920R, G923R.
Identifiers: ClinVar variation 2648853 (VCV002648853.24), dbSNP rs751669702, ClinGen allele CA402896497.